The following is an entry in ClinVar:

ClinVar aggregate classification (germline): Uncertain significance (1 of 4 stars; one submission).

Submission:

GeneDx
Classification: Uncertain significance. Last evaluated: 2026-04-17. Review status: criteria provided, single submitter. Criteria: GeneDx Variant Classification Process June 2021. Collection method: clinical testing. Allele origin: germline.
Comment: Not observed at significant frequency in large population cohorts (gnomAD); In silico analysis suggests that this missense variant does not alter protein structure/function; Has not been previously published as pathogenic or benign to our knowledge

NM_198503.5(KCNT2):c.844A>T (p.Met282Leu)

Gene: KCNT2 (potassium sodium-activated channel subfamily T member 2; minus strand). Cytogenetic location: 1q31.3.
Variant type: single nucleotide variant.
Coding change: c.844A>T on transcript NM_198503.5 (MANE Select); coding-DNA position 844, A replaced by T.
Protein change: p.Met282Leu; replaces methionine 282 with leucine.
Molecular consequence: missense variant. On other transcripts: non-coding transcript variant (2).
Genome position (GRCh38, 1-based): chr1:196,428,245, T>A on the plus strand (A>T on the coding strand, the complement: KCNT2 is on the minus strand). VCF-style: chr1-196428245-T-A. GRCh37 (hg19) VCF-style: chr1-196397375-T-A.
Other names: c.844A>T, p.Met282Leu (NM_001287819.3, NM_001287820.3); short protein forms M282L.
Identifiers: ClinVar variation 5037359 (VCV005037359.1).
Genomic context (GRCh38, chr1:196,428,245, plus strand): 5'-CATGCTTTTCAGTTTGAGCTCTATGTCGACTATAGTTTCCTCCTGACTTTTGTCTCTCCA[T>A]CCACAAATAAGCCAGCTGTTCAAACTGTAATATATTTTCCACATGTGAATGAAAAACACA-3'
Protein context (NP_940905.2, residues 272-292): IQFEQLAYLW[Met282Leu]ERQKSGGNYS